The following is an entry in ClinVar:

NM_001164508.2(NEB):c.24267_24270dup (p.Val8091fs)

Genes: NEB (nebulin; minus strand), RIF1 (replication timing regulatory factor 1; plus strand). Cytogenetic location: 2q23.3.
Variant type: Duplication.
Coding change: c.24267_24270dup on transcript NM_001164508.2 (MANE Select); coding-DNA positions 24267 to 24270, 4 bases duplicated (AAGA; older notation c.24267_24270dupAAGA).
Protein change: p.Val8091fs; shifts the reading frame from valine 8091.
Molecular consequence: frameshift variant. On other transcripts: intron variant (1).
Genome position (GRCh38, 1-based): chr2:151,497,656-151,497,659, TCTT duplicated on the plus strand (AAGA on the coding strand, the reverse complement: NEB is on the minus strand); duplicating any 4 consecutive bases within chr2:151,497,656-151,497,661 gives the same sequence; the c. name uses the placement nearest the transcript's 3' end. VCF-style (leftmost placement, unchanged base first): chr2-151497655-C-CTCTT. GRCh37 (hg19) VCF-style: chr2-152354169-C-CTCTT.
Other names: NM_001164508.2(NEB):c.24267_24270dup; p.Val8091fs; c.24267_24270dup, p.Val8091fs (NM_001164507.2); c.24372_24375dup, p.Val8126fs (NM_001271208.2); c.18826-1291_18826-1288dup (NM_004543.5); c.24372_24375dupAAGA (NM_001271208.1); short protein forms V8126fs, V8091fs.
Identifiers: ClinVar variation 558069 (VCV000558069.10), dbSNP rs747564597, ClinGen allele CA658821205.

ClinVar aggregate classification (germline): Pathogenic. Review status: criteria provided, multiple submitters, no conflicts (2 of 4 stars). 6 submissions from 6 submitters: Pathogenic (4). 2 of the submissions do not count toward it. Last evaluated 2025-02-25.

Conditions:
Nemaline myopathy 2 (NEM2). Also called: Nemaline myopathy 2, autosomal recessive. Identifiers: MedGen C1850569, MONDO:0009725, OMIM 256030.
Nemaline myopathy. Also called: Myopathies, Nemaline. Identifiers: Orphanet 607, MedGen C0206157, MONDO:0018958.
Arthrogryposis multiplex congenita 6. Identifiers: MedGen C5543431, MONDO:0030281, OMIM 619334.

Submissions (6):

Broad Center for Mendelian Genomics, Broad Institute of MIT and Harvard
Classification: Pathogenic for Nemaline myopathy. Last evaluated: 2025-02-25. Review status: criteria provided, single submitter. Criteria: ACMG Guidelines, 2015. Collection method: curation. Allele origin: germline. Inheritance: Autosomal recessive inheritance.
Comment: The p.Val8091LysfsTer10 variant in NEB has been reported in three individuals with nemaline myopathy (PMID: 25205138, 23443021), and has been identified in 0.002% (1/41422) of African/African American chromosomes by the Genome Aggregation Database (gnomAD; dbSNP ID: rs747564597). Although this variant has been seen in the general population in a heterozygous state, its frequency is low enough to be consistent with a recessive carrier frequency. This variant has also been reported in ClinVar (Variation ID: 558069) and has been interpreted as pathogenic by Counsyl, Women's Health and Genetics/Laboratory Corporation of America, and Natera, Inc. Of the 3 affected individuals, 2 of those were compound heterozygotes that carried a reported pathogenic variant with unknown phase, which increases the likelihood that the p.Val8091LysTer10 variant is pathogenic (PMID: 25205138). This variant is predicted to cause a frameshift, which alters the protein‚Äôs amino acid sequence beginning at position 8091 and leads to a premature termination codon 10 amino acids downstream. This alteration is then predicted to lead to a truncated or absent protein. Loss of function of the NEB gene is an established disease mechanism in autosomal recessive nemaline myopathy. In summary, this variant meets criteria to be classified as pathogenic for autosomal recessive nemaline myopathy. ACMG/AMP Criteria applied: PVS1, PM3_strong, PM2_supporting (Richards 2015).

Fulgent Genetics
Classification: Pathogenic for Nemaline myopathy 2; Arthrogryposis multiplex congenita 6. Last evaluated: 2024-01-03. Review status: criteria provided, single submitter. Criteria: ACMG Guidelines, 2015. Collection method: clinical testing. Allele origin: germline.

Illumina Laboratory Services, Illumina
Classification: Pathogenic for Nemaline myopathy 2. Last evaluated: 2023-11-01. Review status: criteria provided, single submitter. Criteria: ICSLVariantClassificationCriteria RUGD 01 April 2020. Collection method: clinical testing. Allele origin: unknown.
Comment: The NEB c.24267_24270dup, p.(Val8091LysfsTer10) variant causes a shift in the protein reading frame that is predicted to result in premature termination of the protein. Loss of normal protein function is expected in clinically relevant tissues through either protein truncation or nonsense-mediated mRNA decay. This variant has been reported in the literature in trans with either a pathogenic or likely pathogenic variant in at least three individuals with a phenotype consistent with nemaline myopathy (PMID: 23394784; 25205138; 16917880; 23443021). This variant is not observed at a significant frequency in version 2.1.1 or version 3.1.2 of the Genome Aggregation Database. Based on the available evidence the c.24267_24270dup p.(Val8091LysfsTer10) is classified as pathogenic for nemaline myopathy.

Women's Health and Genetics/Laboratory Corporation of America, LabCorp
Classification: Pathogenic for Nemaline myopathy. Last evaluated: 2019-08-23. Review status: criteria provided, single submitter. Criteria: LabCorp Variant Classification Summary - May 2015. Collection method: clinical testing. Allele origin: germline.
Comment: Variant summary: NEB c.24372_24375dupAAGA (p.Val8126LysfsX10) results in a premature termination codon, predicted to cause a truncation of the encoded protein or absence of the protein due to nonsense mediated decay, which are commonly known mechanisms for disease. Truncations downstream and around this position have been classified as pathogenic by our laboratory. The variant was absent in 205580 control chromosomes (gnomAD). c.24372_24375dupAAGA has been reported in the literature in individuals affected with Nemaline Myopathy 2 (Lehtokari_2014, Scoto_2013). These data indicate that the variant may be associated with disease. To our knowledge, no experimental evidence demonstrating an impact on protein function has been reported. A ClinVar submission (evaluation after 2014) cites the variant as pathogenic. Based on the evidence outlined above, the variant was classified as pathogenic.

Natera, Inc.
Classification: Pathogenic for Nemaline myopathy type 2. Last evaluated: 2020-11-17. Review status: no assertion criteria provided. Collection method: clinical testing. Allele origin: germline. Not counted in ClinVar's aggregate classification.

Counsyl
Classification: Pathogenic for Nemaline myopathy 2. Last evaluated: 2018-04-27. Review status: no assertion criteria provided. Collection method: clinical testing. Allele origin: unknown. Not counted in ClinVar's aggregate classification.

Literature cited by the submitters: PubMed 23394784 (cited by Illumina Laboratory Services, Illumina); PubMed 25205138 (cited by 3 submitters); PubMed 16917880 (cited by Illumina Laboratory Services, Illumina); PubMed 23443021 (cited by Illumina Laboratory Services, Illumina and Women's Health and Genetics/Laboratory Corporation of America, LabCorp).